The following is an entry in ClinVar:

ClinVar aggregate classification (germline): Uncertain significance (1 of 4 stars; one submission).

Conditions:
Hereditary cancer-predisposing syndrome. Also called: Neoplastic Syndromes, Hereditary; Tumor predisposition; Hereditary Cancer Syndrome; Hereditary neoplastic syndrome. Identifiers: Orphanet 140162, MedGen C0027672, MeSH D009386, MONDO:0015356.

Allele frequency attached by ClinVar (database versions not stated): gnomAD exomes below 0.00001.
gnomAD v4.1: 1 of 1,613,494 alleles (0.000062%); highest among the groups gnomAD compares: Non-Finnish European, 0.000085%; no homozygotes.

Submission:

Ambry Genetics
Classification: Uncertain significance for Hereditary cancer-predisposing syndrome. Last evaluated: 2025-02-07. Review status: criteria provided, single submitter. Criteria: Ambry Variant Classification Scheme 2023. Collection method: clinical testing. Allele origin: germline.
Comment: The p.P530L variant (also known as c.1589C>T), located in coding exon 7 of the BARD1 gene, results from a C to T substitution at nucleotide position 1589. The proline at codon 530 is replaced by leucine, an amino acid with similar properties. This amino acid position is highly conserved in available vertebrate species. In addition, this alteration is predicted to be deleterious by in silico analysis. Since supporting evidence is limited at this time, the clinical significance of this alteration remains unclear.

NM_000465.4(BARD1):c.1589C>T (p.Pro530Leu)

Gene: BARD1 (BRCA1 associated RING domain 1; minus strand). Cytogenetic location: 2q35.
Variant type: single nucleotide variant.
Coding change: c.1589C>T on transcript NM_000465.4 (MANE Select); coding-DNA position 1589, C replaced by T.
Protein change: p.Pro530Leu; replaces proline 530 with leucine.
Molecular consequence: missense variant. On other transcripts: non-coding transcript variant (3), intron variant (1).
Genome position (GRCh38, 1-based): chr2:214,752,535, G>A on the plus strand (C>T on the coding strand, the complement: BARD1 is on the minus strand). VCF-style: chr2-214752535-G-A. GRCh37 (hg19) VCF-style: chr2-215617259-G-A.
Other names: c.1532C>T, p.Pro511Leu (NM_001282543.2); c.236C>T, p.Pro79Leu (NM_001282545.2); c.179C>T, p.Pro60Leu (NM_001282548.2); c.365-22027C>T (NM_001282549.2); short protein forms P530L, P60L, P511L, P79L.
Identifiers: ClinVar variation 1775864 (VCV001775864.3), dbSNP rs2469379009, ClinGen allele CA350454996.